The following is an entry in ClinVar:

ClinVar aggregate classification (germline): Uncertain significance (1 of 4 stars; one submission).

Submission:

Labcorp Genetics (formerly Invitae), Labcorp
Classification: Uncertain significance. Last evaluated: 2025-05-05. Review status: criteria provided, single submitter. Criteria: Invitae Variant Classification Sherloc (09022015). Collection method: clinical testing. Allele origin: germline.
Comment: This sequence change replaces methionine, which is neutral and non-polar, with valine, which is neutral and non-polar, at codon 1679 of the TAF1 protein (p.Met1679Val). This variant is not present in population databases (gnomAD no frequency). This variant has not been reported in the literature in individuals affected with TAF1-related conditions. Invitae Evidence Modeling of protein sequence and biophysical properties (such as structural, functional, and spatial information, amino acid conservation, physicochemical variation, residue mobility, and thermodynamic stability) indicates that this missense variant is not expected to disrupt TAF1 protein function with a negative predictive value of 95%. In summary, the available evidence is currently insufficient to determine the role of this variant in disease. Therefore, it has been classified as a Variant of Uncertain Significance.

NM_004606.5(TAF1):c.4975A>G (p.Met1659Val)

Gene: TAF1 (TATA-box binding protein associated factor 1; plus strand). Cytogenetic location: Xq13.1.
Variant type: single nucleotide variant.
Coding change: c.4975A>G on transcript NM_004606.5 (MANE Select); coding-DNA position 4975, A replaced by G.
Protein change: p.Met1659Val; replaces methionine 1659 with valine.
Molecular consequence: missense variant. On other transcripts: non-coding transcript variant (9).
Genome position (GRCh38, 1-based): chrX:71,458,277, A>G. VCF-style: chrX-71458277-A-G. GRCh37 (hg19) VCF-style: chrX-70678127-A-G.
Other names: c.4912A>G, p.Met1638Val (NM_138923.4, NM_001440854.1); c.4975A>G, p.Met1659Val (NM_001440852.1, NM_001440853.1); c.4981A>G, p.Met1661Val (NM_001286074.2); short protein forms M1659V, M1661V, M1638V.
Identifiers: ClinVar variation 4774059 (VCV004774059.1).